The following is an entry in ClinVar:

NM_000540.3(RYR1):c.5207C>T (p.Pro1736Leu)

Gene: RYR1 (ryanodine receptor 1; plus strand). Cytogenetic location: 19q13.2.
Variant type: single nucleotide variant.
Coding change: c.5207C>T on transcript NM_000540.3 (MANE Select); coding-DNA position 5207, C replaced by T.
Protein change: p.Pro1736Leu; replaces proline 1736 with leucine.
Molecular consequence: missense variant.
Genome position (GRCh38, 1-based): chr19:38,485,862, C>T. VCF-style: chr19-38485862-C-T. GRCh37 (hg19) VCF-style: chr19-38976502-C-T.
Other names: c.5207C>T, p.Pro1736Leu (NM_001042723.2); short protein forms P1736L.
Identifiers: ClinVar variation 2742512 (VCV002742512.4), dbSNP rs2514228027, ClinGen allele CA405654171.

ClinVar aggregate classification (germline): Uncertain significance. Review status: criteria provided, multiple submitters, no conflicts (2 of 4 stars). 2 submissions from 2 submitters: Uncertain significance (2). Last evaluated 2025-10-02.

Conditions:
Inborn genetic diseases. Identifiers: MedGen C0950123, MeSH D030342.
RYR1-related disorder. Also called: RYR1-related condition; RYR1-related disorders. Identifiers: MedGen CN239331.

Allele frequency attached by ClinVar (database versions not stated): gnomAD exomes below 0.00001.
gnomAD v4.1: 1 of 1,613,818 alleles (0.000062%); highest among the groups gnomAD compares: Non-Finnish European, 0.000085%; no homozygotes.

Submissions (2):

Labcorp Genetics (formerly Invitae), Labcorp
Classification: Uncertain significance for RYR1-related disorder. Last evaluated: 2025-10-02. Review status: criteria provided, single submitter. Criteria: Invitae Variant Classification Sherloc (09022015). Collection method: clinical testing. Allele origin: germline.
Comment: This sequence change replaces proline, which is neutral and non-polar, with leucine, which is neutral and non-polar, at codon 1736 of the RYR1 protein (p.Pro1736Leu). This variant is not present in population databases (gnomAD no frequency). This variant has not been reported in the literature in individuals affected with RYR1-related conditions. ClinVar contains an entry for this variant (Variation ID: 2742512). Invitae Evidence Modeling of protein sequence and biophysical properties (such as structural, functional, and spatial information, amino acid conservation, physicochemical variation, residue mobility, and thermodynamic stability) indicates that this missense variant is expected to disrupt RYR1 protein function with a positive predictive value of 80%. In summary, the available evidence is currently insufficient to determine the role of this variant in disease. Therefore, it has been classified as a Variant of Uncertain Significance.

Ambry Genetics
Classification: Uncertain significance for Inborn genetic diseases. Last evaluated: 2025-06-12. Review status: criteria provided, single submitter. Criteria: Ambry Variant Classification Scheme 2023. Collection method: clinical testing. Allele origin: germline.